The following is an entry in ClinVar:

ClinVar aggregate classification (germline): Uncertain significance (1 of 4 stars; one submission).

Submission:

Labcorp Genetics (formerly Invitae), Labcorp
Classification: Uncertain significance. Last evaluated: 2021-02-05. Review status: criteria provided, single submitter. Criteria: Invitae Variant Classification Sherloc (09022015). Collection method: clinical testing. Allele origin: germline.
Comment: In summary, the available evidence is currently insufficient to determine the role of this variant in disease. Therefore, it has been classified as a Variant of Uncertain Significance. Algorithms developed to predict the effect of missense changes on protein structure and function (SIFT, PolyPhen-2, Align-GVGD) all suggest that this variant is likely to be tolerated, but these predictions have not been confirmed by published functional studies and their clinical significance is uncertain. This variant has not been reported in the literature in individuals with FBXO11-related conditions. This variant is not present in population databases (ExAC no frequency). This sequence change replaces histidine with arginine at codon 376 of the FBXO11 protein (p.His376Arg). The histidine residue is moderately conserved and there is a small physicochemical difference between histidine and arginine.

NM_001190274.2(FBXO11):c.1127A>G (p.His376Arg)

Gene: FBXO11 (F-box protein 11; minus strand). Cytogenetic location: 2p16.3.
Variant type: single nucleotide variant.
Coding change: c.1127A>G on transcript NM_001190274.2 (MANE Select); coding-DNA position 1127, A replaced by G.
Protein change: p.His376Arg; replaces histidine 376 with arginine.
Molecular consequence: missense variant.
Genome position (GRCh38, 1-based): chr2:47,832,795, T>C on the plus strand (A>G on the coding strand, the complement: FBXO11 is on the minus strand). VCF-style: chr2-47832795-T-C. GRCh37 (hg19) VCF-style: chr2-48059934-T-C.
Other names: c.875A>G, p.His292Arg (NM_001374325.1, NM_025133.4); short protein forms H292R, H376R.
Identifiers: ClinVar variation 1514413 (VCV001514413.8), dbSNP rs1672290733, ClinGen allele CA346765794.
Genomic context (GRCh38, chr2:47,832,795, plus strand): 5'-AAATTTTATTGTAAAATATAAAGAAAACACTAACCTGTACATGTACTTCGGATGATACAG[T>C]GATCAATAATAGGGCTACAATTTACTGTAATCTCTAAGCAGTGGTGTGCATTGTGGTGTT-3'
Protein context (NP_001177203.1, residues 366-386): ITVNCSPIID[His376Arg]CIIRSTCTVG